The following is an entry in ClinVar:

ClinVar aggregate classification (germline): Benign. Review status: criteria provided, single submitter (1 of 4 stars). 3 submissions from 3 submitters: Benign (1). 2 of the submissions do not count toward it. Last evaluated 2026-01-01.

Conditions:
BMP6-related disorder. Also called: BMP6-related condition.
Iron overload, susceptibility to (IO). Identifiers: MedGen C5703292, MONDO:0859316, OMIM 620121.

Allele frequency attached by ClinVar (database versions not stated): gnomAD exomes 0.00185; ExAC 0.00494; ESP Exome Variant Server 0.00662; gnomAD 0.00987; TOPMed 0.01147; 1000 Genomes Project 0.01218.
gnomAD v4.1: 4,309 of 1,576,856 alleles (0.27%); highest among the groups gnomAD compares: African/African-American, 3%; 43 homozygotes.

Submissions (3):

CeGaT Center for Human Genetics Tuebingen
Classification: Benign. Last evaluated: 2026-01-01. Review status: criteria provided, single submitter. Criteria: CeGaT Center For Human Genetics Tuebingen Variant Classification Criteria Version 2. Collection method: clinical testing. Allele origin: germline. Affected: yes. Observed: 5 variant alleles.
Comment: BMP6: BS1, BS2

OMIM
Classification: risk factor for IRON OVERLOAD, SUSCEPTIBILITY TO. Last evaluated: 2022-11-28. Review status: no assertion criteria provided. Collection method: literature only. Allele origin: germline. Not counted in ClinVar's aggregate classification.

PreventionGenetics, part of Exact Sciences
Classification: Likely benign for BMP6-related condition. Last evaluated: 2019-02-28. Review status: no assertion criteria provided. Collection method: clinical testing. Allele origin: germline. Not counted in ClinVar's aggregate classification.
Comment: This variant is classified as likely benign based on ACMG/AMP sequence variant interpretation guidelines (Richards et al. 2015 PMID: 25741868, with internal and published modifications).

Literature cited by the submitters: PubMed 26582087 (cited by OMIM).

NM_001718.6(BMP6):c.337C>G (p.Gln113Glu)

Gene: BMP6 (bone morphogenetic protein 6; plus strand). Cytogenetic location: 6p24.3.
Variant type: single nucleotide variant.
Coding change: c.337C>G on transcript NM_001718.6 (MANE Select); coding-DNA position 337, C replaced by G.
Protein change: p.Gln113Glu; replaces glutamine 113 with glutamic acid.
Molecular consequence: missense variant.
Genome position (GRCh38, 1-based): chr6:7,727,292, C>G. VCF-style: chr6-7727292-C-G. GRCh37 (hg19) VCF-style: chr6-7727525-C-G.
Other names: Q113E; c.337C>G (NM_001718.5).
Identifiers: ClinVar variation 1801216 (VCV001801216.26), dbSNP rs7745236, ClinGen allele CA3628525.
Genomic context (GRCh38, chr6:7,727,292, plus strand): 5'-CCCCGGCCCCTGCACGGCCTCCAACAGCCGCAGCCCCCGGCGCTCCGGCAGCAGGAGGAG[C>G]AGCAGCAGCAGCAGCAGCTGCCTCGCGGAGAGCCCCCTCCCGGGCGACTGAAGTCCGCGC-3'
Protein context (NP_001709.1, residues 103-123): QPPALRQQEE[Gln113Glu]QQQQQLPRGE